The following is an entry in ClinVar:

ClinVar aggregate classification (germline): Uncertain significance. Review status: criteria provided, multiple submitters, no conflicts (2 of 4 stars). 2 submissions from 2 submitters: Uncertain significance (2). Last evaluated 2026-04-08.

Conditions:
PTPRQ-related disorder. Also called: PTPRQ-related condition.

gnomAD v4.1: 60 of 1,547,292 alleles (0.0039%); highest among the groups gnomAD compares: Non-Finnish European, 0.0036%; no homozygotes.

Submissions (2):

GeneDx
Classification: Uncertain significance. Last evaluated: 2026-04-08. Review status: criteria provided, single submitter. Criteria: GeneDx Variant Classification Process June 2021. Collection method: clinical testing. Allele origin: germline.
Comment: In silico analysis supports that this missense variant has a deleterious effect on protein structure/function; Has not been previously published as pathogenic or benign to our knowledge

PreventionGenetics, part of Exact Sciences
Classification: Uncertain significance for PTPRQ-related condition. Last evaluated: 2026-03-09. Review status: criteria provided, single submitter. Criteria: ACMG Guidelines, 2015. Collection method: clinical testing. Allele origin: germline.
Comment: The PTPRQ c.2847C>A variant is predicted to result in the amino acid substitution p.Ser949Arg. To our knowledge, this variant has not been reported in the literature. This variant is reported in 0.034% of alleles in individuals of Ashkenazi Jewish descent in gnomAD. At this time, the clinical significance of this variant is uncertain due to the absence of conclusive functional and genetic evidence.

NM_001145026.2(PTPRQ):c.2847C>A (p.Ser949Arg)

Gene: PTPRQ (protein tyrosine phosphatase receptor type Q; plus strand). Cytogenetic location: 12q21.31.
Variant type: single nucleotide variant.
Coding change: c.2847C>A on transcript NM_001145026.2 (MANE Select); coding-DNA position 2847, C replaced by A.
Protein change: p.Ser949Arg; replaces serine 949 with arginine.
Molecular consequence: missense variant.
Genome position (GRCh38, 1-based): chr12:80,534,899, C>A. VCF-style: chr12-80534899-C-A. GRCh37 (hg19) VCF-style: chr12-80928678-C-A.
Other names: short protein forms S949R.
Identifiers: ClinVar variation 4795507 (VCV004795507.3).